The following is an entry in ClinVar:

ClinVar aggregate classification (germline): Uncertain significance (1 of 4 stars; one submission).

Conditions:
Inborn genetic diseases. Identifiers: MedGen C0950123, MeSH D030342.

Submission:

Ambry Genetics
Classification: Uncertain significance for Inborn genetic diseases. Last evaluated: 2025-04-07. Review status: criteria provided, single submitter. Criteria: Ambry Variant Classification Scheme 2023. Collection method: clinical testing. Allele origin: germline.
Comment: The p.H372R variant (also known as c.1115A>G), located in coding exon 3 of the MBD4 gene, results from an A to G substitution at nucleotide position 1115. The histidine at codon 372 is replaced by arginine, an amino acid with highly similar properties. This amino acid position is conserved. In addition, the in silico prediction for this alteration is inconclusive. Based on the available evidence, the clinical significance of this variant remains unclear.

NM_001276270.2(MBD4):c.1115A>G (p.His372Arg)

Gene: MBD4 (methyl-CpG binding domain 4, DNA glycosylase; minus strand). Cytogenetic location: 3q21.3.
Variant type: single nucleotide variant.
Coding change: c.1115A>G on transcript NM_001276270.2 (MANE Select); coding-DNA position 1115, A replaced by G.
Protein change: p.His372Arg; replaces histidine 372 with arginine.
Molecular consequence: missense variant. On other transcripts: intron variant (1).
Genome position (GRCh38, 1-based): chr3:129,436,529, T>C on the plus strand (A>G on the coding strand, the complement: MBD4 is on the minus strand). VCF-style: chr3-129436529-T-C. GRCh37 (hg19) VCF-style: chr3-129155372-T-C.
Other names: c.1115A>G, p.His372Arg (NM_001276271.2, NM_001276272.2, NM_003925.3); c.247+1279A>G (NM_001276273.2); short protein forms H372R.
Identifiers: ClinVar variation 4052193 (VCV004052193.1).